The following is an entry in ClinVar:

ClinVar aggregate classification (germline): Uncertain significance (1 of 4 stars; one submission).

Conditions:
Developmental and epileptic encephalopathy, 62. Also called: Early infantile epileptic encephalopathy 62. Identifiers: MedGen C4693699, MONDO:0033371, OMIM 617938.

Submission:

MVZ Medizinische Genetik Mainz
Classification: Uncertain significance for Developmental and epileptic encephalopathy, 62. Last evaluated: 2023-10-11. Review status: criteria provided, single submitter. Criteria: UK Practice Guidelines For Variant Classification V4 01 2020. Collection method: clinical testing. Allele origin: germline. Inheritance: Autosomal dominant inheritance. Affected: yes. Observed: 1 variant allele.
Comment: ACMG Criteria: PP3_MOD,PM2_SUP,PM5_SUP,PP2

NM_006922.4(SCN3A):c.4457C>G (p.Thr1486Arg)

Gene: SCN3A (sodium voltage-gated channel alpha subunit 3; minus strand). Cytogenetic location: 2q24.3.
Variant type: single nucleotide variant.
Coding change: c.4457C>G on transcript NM_006922.4 (MANE Select); coding-DNA position 4457, C replaced by G.
Protein change: p.Thr1486Arg; replaces threonine 1486 with arginine.
Molecular consequence: missense variant.
Genome position (GRCh38, 1-based): chr2:165,094,453, G>C on the plus strand (C>G on the coding strand, the complement: SCN3A is on the minus strand). VCF-style: chr2-165094453-G-C. GRCh37 (hg19) VCF-style: chr2-165950963-G-C.
Other names: c.4310C>G, p.Thr1437Arg (NM_001081676.2, NM_001081677.2); short protein forms T1437R, T1486R.
Identifiers: ClinVar variation 3236213 (VCV003236213.1), dbSNP rs2105636234, ClinGen allele CA349020746.